The following is an entry in ClinVar:

NM_001171.6(ABCC6):c.4165G>A (p.Gly1389Ser)

Gene: ABCC6 (ATP binding cassette subfamily C member 6; minus strand). Cytogenetic location: 16p13.11.
Variant type: single nucleotide variant.
Coding change: c.4165G>A on transcript NM_001171.6 (MANE Select); coding-DNA position 4165, G replaced by A.
Protein change: p.Gly1389Ser; replaces glycine 1389 with serine.
Molecular consequence: missense variant. On other transcripts: non-coding transcript variant (1).
Genome position (GRCh38, 1-based): chr16:16,154,671, C>T on the plus strand (G>A on the coding strand, the complement: ABCC6 is on the minus strand). VCF-style: chr16-16154671-C-T. GRCh37 (hg19) VCF-style: chr16-16248528-C-T.
Other names: c.4165G>A (NM_001171.5); c.3823G>A, p.Gly1275Ser (NM_001351800.1); short protein forms G1389S, G1275S.
Identifiers: ClinVar variation 2158180 (VCV002158180.4), dbSNP rs775998775, ClinGen allele CA7925298.
Genomic context (GRCh38, chr16:16,154,671, plus strand): 5'-TGGTGGGACGACCATACCTCAGGTCCTCGCCTCGGTCAGCACACTTGTACTGCAGCTGGC[C>T]GGGCAGGCTGGCCACCAAGGCTTTGAGCTGCACCGTCTCCAGGGCTGCCCAGATAGCCTC-3'
Protein context (NP_001162.5, residues 1379-1399): QLKALVASLP[Gly1389Ser]QLQYKCADRG

ClinVar aggregate classification (germline): Uncertain significance. Review status: criteria provided, multiple submitters, no conflicts (2 of 4 stars). 3 submissions from 3 submitters: Uncertain significance (3). Last evaluated 2025-10-14.

Conditions:
Autosomal recessive inherited pseudoxanthoma elasticum (PXE). Identifiers: Orphanet 758, MedGen CN032334, MONDO:0009925, OMIM 264800.
Pseudoxanthoma elasticum, forme fruste. Also called: Pseudoxanthoma Elasticum, Incomplete; PSEUDOXANTHOMA ELASTICUM, HETEROZYGOUS. Identifiers: Orphanet 758, MedGen C1867450, MONDO:0008333, OMIM 177850.
Arterial calcification, generalized, of infancy, 2. Identifiers: Orphanet 51608, MedGen C3276161, MONDO:0013768, OMIM 614473.
Inborn genetic diseases. Identifiers: MedGen C0950123, MeSH D030342.

Allele frequency attached by ClinVar (database versions not stated): ExAC 0.00002; gnomAD 0.00002; TOPMed 0.00002.
gnomAD v4.1: 32 of 1,612,958 alleles (0.002%); highest among the groups gnomAD compares: East Asian, 0.011%; no homozygotes.

Submissions (3):

Labcorp Genetics (formerly Invitae), Labcorp
Classification: Uncertain significance. Last evaluated: 2025-10-14. Review status: criteria provided, single submitter. Criteria: Invitae Variant Classification Sherloc (09022015). Collection method: clinical testing. Allele origin: germline.
Comment: This sequence change replaces glycine, which is neutral and non-polar, with serine, which is neutral and polar, at codon 1389 of the ABCC6 protein (p.Gly1389Ser). This variant is present in population databases (rs775998775, gnomAD 0.01%). This variant has not been reported in the literature in individuals affected with ABCC6-related conditions. ClinVar contains an entry for this variant (Variation ID: 2158180). Invitae Evidence Modeling of protein sequence and biophysical properties (such as structural, functional, and spatial information, amino acid conservation, physicochemical variation, residue mobility, and thermodynamic stability) has been performed for this missense variant. However, the output from this modeling did not meet the statistical confidence thresholds required to predict the impact of this variant on ABCC6 protein function. In summary, the available evidence is currently insufficient to determine the role of this variant in disease. Therefore, it has been classified as a Variant of Uncertain Significance.

Fulgent Genetics
Classification: Uncertain significance for Pseudoxanthoma elasticum, forme fruste; Autosomal recessive inherited pseudoxanthoma elasticum; Arterial calcification, generalized, of infancy, 2. Last evaluated: 2024-05-08. Review status: criteria provided, single submitter. Criteria: ACMG Guidelines, 2015. Collection method: clinical testing. Allele origin: germline.

Ambry Genetics
Classification: Uncertain significance for Inborn genetic diseases. Last evaluated: 2023-09-22. Review status: criteria provided, single submitter. Criteria: Ambry Variant Classification Scheme 2023. Collection method: clinical testing. Allele origin: germline.